The following is an entry in ClinVar:

ClinVar aggregate classification (germline): Uncertain significance (1 of 4 stars; one submission).

Conditions:
Mitochondrial DNA depletion syndrome 13. Also called: FBXL4-Related Encephalomyopathic Mitochondrial DNA Depletion Syndrome; Mitochondrial DNA depletion syndrome 13 (encephalomyopathic type). Identifiers: Orphanet 369897, MedGen C3809592, MONDO:0014198, OMIM 615471.

Allele frequency attached by ClinVar (database versions not stated): gnomAD exomes below 0.00001 and 0.00001; ExAC 0.00001.
gnomAD v4.1: 12 of 1,613,958 alleles (0.00074%); highest among the groups gnomAD compares: Non-Finnish European, 0.001%; no homozygotes.

Submission:

Wong Mito Lab, Molecular and Human Genetics, Baylor College of Medicine
Classification: Uncertain significance for Mitochondrial DNA depletion syndrome 13. Last evaluated: 2017-08-10. Review status: criteria provided, single submitter. Criteria: ACMG Guidelines, 2015. Collection method: reference population. Allele origin: germline.
Comment: The NM_012160.4:c.1356G>A (NP_036292.2:p.Glu452=) [GRCH38: NC_000006.12:g.98880586C>T] variant in FBXL4 gene is interpretated to be a Uncertain Significance - Conflicting Evidence based on ACMG guidelines (PMID: 25741868). This variant meets one or more of the following evidence codes reported in the ACMG-guideline. PM2:This variant is absent in key population databases. BP4:Computational evidence/predictors indicate no impact on the FBXL4 structure, function, or protein-protein interaction. BP7:The variant is silent with non predicted splice impact. Based on this evidence code ClinGen Pathogenicity Calculator (PMID:28081714) suggested that the variant is Uncertain Significance - Conflicting Evidence.

NM_001278716.2(FBXL4):c.1356G>A (p.Glu452=)

Gene: FBXL4 (F-box and leucine rich repeat protein 4; minus strand). Cytogenetic location: 6q16.1.
Variant type: single nucleotide variant.
Coding change: c.1356G>A on transcript NM_001278716.2 (MANE Select); coding-DNA position 1356, G replaced by A.
Protein change: p.Glu452=; no amino-acid change (glutamic acid 452 retained).
Molecular consequence: synonymous variant. On other transcripts: non-coding transcript variant (1).
Genome position (GRCh38, 1-based): chr6:98,880,586, C>T on the plus strand (G>A on the coding strand, the complement: FBXL4 is on the minus strand). VCF-style: chr6-98880586-C-T. GRCh37 (hg19) VCF-style: chr6-99328462-C-T.
Other names: c.1356G>A, p.Glu452= (NM_012160.5).
Identifiers: ClinVar variation 437740 (VCV000437740.1), dbSNP rs760108335, ClinGen allele CA3933467.